The following is an entry in ClinVar:

ClinVar aggregate classification (germline): Likely benign (1 of 4 stars; one submission).

gnomAD v4.1: 1 of 1,603,578 alleles (0.000062%); no homozygotes.

Submission:

CeGaT Center for Human Genetics Tuebingen
Classification: Likely benign. Last evaluated: 2025-03-01. Review status: criteria provided, single submitter. Criteria: CeGaT Center For Human Genetics Tuebingen Variant Classification Criteria Version 2. Collection method: clinical testing. Allele origin: germline. Affected: yes. Observed: 1 variant allele.
Comment: IQSEC3: BP4, BP7

NM_001170738.2(IQSEC3):c.1089C>T (p.Ser363=)

Genes: IQSEC3 (IQ motif and Sec7 domain ArfGEF 3; plus strand), IQSEC3-AS3 (IQSEC3 antisense RNA 3; minus strand). Cytogenetic location: 12p13.33.
Variant type: single nucleotide variant.
Coding change: c.1089C>T on transcript NM_001170738.2 (MANE Select); coding-DNA position 1089, C replaced by T.
Protein change: p.Ser363=; no amino-acid change (serine 363 retained).
Molecular consequence: synonymous variant. On other transcripts: non-coding transcript variant (1).
Genome position (GRCh38, 1-based): chr12:138,452, C>T. VCF-style: chr12-138452-C-T. GRCh37 (hg19) VCF-style: chr12-247618-C-T.
Other names: c.180C>T, p.Ser60= (NM_015232.2).
Identifiers: ClinVar variation 3778340 (VCV003778340.7).
Genomic context (GRCh38, chr12:138,452, plus strand): 5'-GGAGAGCCGCCTGCCACGGCGGATCTCCCTGCGCAAGGTGCGGTCACCCACGGCCGAGAG[C>T]CTGGCGGCCGAGAAAGCGCTCATGGAGGGCTACGGCCTCGTGGGGCTGCCGCTGGTGCGC-3'
Protein context (NP_001164209.1, residues 353-373): LRKVRSPTAE[Ser363=]LAAEKALMEG